The following is an entry in ClinVar:

NM_015459.5(ATL3):c.1413G>T (p.Gln471His)

Genes: ATL3 (atlastin GTPase 3; minus strand), LNCROPM (lncRNA regulator of PLAAT3 mediated phospholipid metabolism; plus strand). Cytogenetic location: 11q13.1.
Variant type: single nucleotide variant.
Coding change: c.1413G>T on transcript NM_015459.5 (MANE Select); coding-DNA position 1413, G replaced by T.
Protein change: p.Gln471His; replaces glutamine 471 with histidine.
Molecular consequence: missense variant.
Genome position (GRCh38, 1-based): chr11:63,631,166, C>A on the plus strand (G>T on the coding strand, the complement: ATL3 is on the minus strand). VCF-style: chr11-63631166-C-A. GRCh37 (hg19) VCF-style: chr11-63398638-C-A.
Other names: c.1413G>T (NM_015459.3); c.1359G>T, p.Gln453His (NM_001290048.2); short protein forms Q471H, Q453H.
Identifiers: ClinVar variation 1435475 (VCV001435475.9), dbSNP rs553188281, ClinGen allele CA6063523.

ClinVar aggregate classification (germline): Conflicting classifications of pathogenicity. Review status: criteria provided, conflicting classifications (1 of 4 stars). 2 submissions from 2 submitters: Uncertain significance (1); Likely benign (1). Last evaluated 2024-10-24.

Conditions:
Inborn genetic diseases. Identifiers: MedGen C0950123, MeSH D030342.
Neuropathy, hereditary sensory, type 1F. Also called: HSN IF; Hereditary sensory neuropathy type IF. Identifiers: Orphanet 36386, MedGen C3810194, MONDO:0014286, OMIM 615632.

Allele frequency attached by ClinVar (database versions not stated): gnomAD 0.00001 and 0.00002; TOPMed 0.00003; 1000 Genomes Project 30x 0.00016; 1000 Genomes Project 0.00020.
gnomAD v4.1: 7 of 1,614,172 alleles (0.00043%); highest among the groups gnomAD compares: Admixed American, 0.01%; no homozygotes.

Submissions (2):

Labcorp Genetics (formerly Invitae), Labcorp
Classification: Uncertain significance for Neuropathy, hereditary sensory, type 1F. Last evaluated: 2024-10-24. Review status: criteria provided, single submitter. Criteria: Invitae Variant Classification Sherloc (09022015). Collection method: clinical testing. Allele origin: germline.
Comment: This sequence change replaces glutamine, which is neutral and polar, with histidine, which is basic and polar, at codon 471 of the ATL3 protein (p.Gln471His). This variant is present in population databases (rs553188281, gnomAD 0.01%). This variant has not been reported in the literature in individuals affected with ATL3-related conditions. ClinVar contains an entry for this variant (Variation ID: 1435475). Invitae Evidence Modeling of protein sequence and biophysical properties (such as structural, functional, and spatial information, amino acid conservation, physicochemical variation, residue mobility, and thermodynamic stability) indicates that this missense variant is not expected to disrupt ATL3 protein function with a negative predictive value of 80%. In summary, the available evidence is currently insufficient to determine the role of this variant in disease. Therefore, it has been classified as a Variant of Uncertain Significance.

Ambry Genetics
Classification: Likely benign for Inborn genetic diseases. Last evaluated: 2022-01-26. Review status: criteria provided, single submitter. Criteria: Ambry Variant Classification Scheme 2023. Collection method: clinical testing. Allele origin: germline.